The following is an entry in ClinVar:

ClinVar aggregate classification (germline): Uncertain significance. Review status: criteria provided, single submitter (1 of 4 stars). 2 submissions from 2 submitters: Uncertain significance (1). 1 of the submissions does not count toward it. Last evaluated 2023-03-08.

Conditions:
Rubinstein-Taybi syndrome due to EP300 haploinsufficiency. Also called: RUBINSTEIN-TAYBI SYNDROME 2; EP300-Related Rubinstein-Taybi Syndrome. Identifiers: Orphanet 353284, Orphanet 783, MedGen C3150941, MONDO:0013364, OMIM 613684.

Submissions (2):

Labcorp Genetics (formerly Invitae), Labcorp
Classification: Uncertain significance for Rubinstein-Taybi syndrome due to EP300 haploinsufficiency. Last evaluated: 2023-03-08. Review status: criteria provided, single submitter. Criteria: Invitae Variant Classification Sherloc (09022015). Collection method: clinical testing. Allele origin: germline.
Comment: In summary, the available evidence is currently insufficient to determine the role of this variant in disease. Therefore, it has been classified as a Variant of Uncertain Significance. Advanced modeling of protein sequence and biophysical properties (such as structural, functional, and spatial information, amino acid conservation, physicochemical variation, residue mobility, and thermodynamic stability) performed at Invitae indicates that this missense variant is expected to disrupt EP300 protein function. ClinVar contains an entry for this variant (Variation ID: 134064). This variant has not been reported in the literature in individuals affected with EP300-related conditions. This variant is not present in population databases (gnomAD no frequency). This sequence change replaces tyrosine, which is neutral and polar, with phenylalanine, which is neutral and non-polar, at codon 468 of the EP300 protein (p.Tyr468Phe).

ITMI
No classification provided. Condition: AllHighlyPenetrant. Last evaluated: 2013-09-19. Review status: no classification provided. Collection method: reference population. Allele origin: germline. Not counted in ClinVar's aggregate classification.
Comment: Please see associated publication for description of ethnicities

Literature cited by the submitters: PubMed 24728327 (cited by ITMI).

NM_001429.4(EP300):c.1403A>T (p.Tyr468Phe)

Gene: EP300 (EP300 lysine acetyltransferase; plus strand). Cytogenetic location: 22q13.2.
Variant type: single nucleotide variant.
Coding change: c.1403A>T on transcript NM_001429.4 (MANE Select); coding-DNA position 1403, A replaced by T.
Protein change: p.Tyr468Phe; replaces tyrosine 468 with phenylalanine.
Molecular consequence: missense variant.
Genome position (GRCh38, 1-based): chr22:41,131,508, A>T. VCF-style: chr22-41131508-A-T. GRCh37 (hg19) VCF-style: chr22-41527512-A-T.
Other names: c.1403A>T, p.Tyr468Phe (NM_001362843.2); short protein forms Y468F.
Identifiers: ClinVar variation 134064 (VCV000134064.4), dbSNP rs587778262, ClinGen allele CA158538.